The following is an entry in ClinVar:

ClinVar aggregate classification (germline): Conflicting classifications of pathogenicity. Review status: criteria provided, conflicting classifications (1 of 4 stars). 2 submissions from 2 submitters: Uncertain significance (1); Likely benign (1). Last evaluated 2025-10-24.

Submissions (2):

Labcorp Genetics (formerly Invitae), Labcorp
Classification: Likely benign. Last evaluated: 2025-10-24. Review status: criteria provided, single submitter. Criteria: Invitae Variant Classification Sherloc (09022015). Collection method: clinical testing. Allele origin: germline.

CeGaT Center for Human Genetics Tuebingen
Classification: Uncertain significance. Last evaluated: 2023-02-01. Review status: criteria provided, single submitter. Criteria: CeGaT Center For Human Genetics Tuebingen Variant Classification Criteria Version 2. Collection method: clinical testing. Allele origin: germline. Affected: yes. Observed: 1 variant allele.
Comment: SETD5: PM2, BP4

NM_001080517.3(SETD5):c.811-6A>T

Gene: SETD5 (SET domain containing 5; plus strand). Cytogenetic location: 3p25.3.
Variant type: single nucleotide variant.
Coding change: c.811-6A>T on transcript NM_001080517.3 (MANE Select); 6 bases into the intron before coding-DNA position 811, A replaced by T.
Molecular consequence: intron variant.
Genome position (GRCh38, 1-based): chr3:9,441,587, A>T. VCF-style: chr3-9441587-A-T. GRCh37 (hg19) VCF-style: chr3-9483271-A-T.
Other names: c.517-6A>T (NM_001349451.2, NM_001292043.2).
Identifiers: ClinVar variation 2653472 (VCV002653472.25), dbSNP rs2472701285, ClinGen allele CA2695197723.